The following is an entry in ClinVar:

NM_001220.5(CAMK2B):c.1923C>T (p.Arg641=)

Gene: CAMK2B (calcium/calmodulin dependent protein kinase II beta; minus strand). Cytogenetic location: 7p13.
Variant type: single nucleotide variant.
Coding change: c.1923C>T on transcript NM_001220.5 (MANE Select); coding-DNA position 1923, C replaced by T.
Protein change: p.Arg641=; no amino-acid change (arginine 641 retained).
Molecular consequence: synonymous variant.
Genome position (GRCh38, 1-based): chr7:44,220,140, G>A on the plus strand (C>T on the coding strand, the complement: CAMK2B is on the minus strand). VCF-style: chr7-44220140-G-A. GRCh37 (hg19) VCF-style: chr7-44259739-G-A.
Other names: c.1551C>T, p.Arg517= (NM_001293170.2, NM_172078.3); c.1479C>T, p.Arg493= (NM_172079.3); c.1476C>T, p.Arg492= (NM_172080.3); c.1434C>T, p.Arg478= (NM_172081.3); c.1401C>T, p.Arg467= (NM_172082.3); c.1362C>T, p.Arg454= (NM_172083.3); c.1272C>T, p.Arg424= (NM_172084.3).
Identifiers: ClinVar variation 1012799 (VCV001012799.45), dbSNP rs56347500, ClinGen allele CA4240062.

ClinVar aggregate classification (germline): Benign/Likely benign. Review status: criteria provided, multiple submitters, no conflicts (2 of 4 stars). 3 submissions from 3 submitters: Benign (2); Likely benign (1). Last evaluated 2026-09-01.

Allele frequency attached by ClinVar (database versions not stated): 1000 Genomes Project 0.00319; 1000 Genomes Project 30x 0.00344; TOPMed 0.00429; gnomAD 0.00489 and 0.00504; ExAC 0.00504; ESP Exome Variant Server 0.00508; gnomAD exomes 0.00516 and 0.00579.
gnomAD v4.1: 9,300 of 1,612,370 alleles (0.58%); highest among the groups gnomAD compares: Middle Eastern, 1.9%; 36 homozygotes.

Submissions (3):

CeGaT Center for Human Genetics Tuebingen
Classification: Benign. Last evaluated: 2026-09-01. Review status: criteria provided, single submitter. Criteria: CeGaT Center For Human Genetics Tuebingen Variant Classification Criteria Version 2. Collection method: clinical testing. Allele origin: germline. Affected: yes. Observed: 65 variant alleles.
Comment: CAMK2B: BP4, BP7, BS1, BS2

Labcorp Genetics (formerly Invitae), Labcorp
Classification: Benign. Last evaluated: 2026-02-02. Review status: criteria provided, single submitter. Criteria: Invitae Variant Classification Sherloc (09022015). Collection method: clinical testing. Allele origin: germline.

Breakthrough Genomics
Classification: Likely benign. Review status: criteria provided, single submitter. Criteria: ACMG Guidelines, 2015. Collection method: not provided. Allele origin: germline. Inheritance: Autosomal dominant inheritance. Affected: yes.